The following is an entry in ClinVar:

ClinVar aggregate classification (germline): Pathogenic/Likely pathogenic. Review status: criteria provided, multiple submitters, no conflicts (2 of 4 stars). 3 submissions from 3 submitters: Pathogenic (1); Likely pathogenic (1). 1 of the submissions does not count toward it. Last evaluated 2024-07-30.

Conditions:
Hereditary spastic paraplegia 4. Also called: Spastic paraplegia 4, autosomal dominant; Familial spastic paraplegia autosomal dominant 2; Spastic Paraplegia 4. Identifiers: Orphanet 100985, MedGen C1866855, MONDO:0008438, OMIM 182601.

Submissions (3):

Labcorp Genetics (formerly Invitae), Labcorp
Classification: Pathogenic for Hereditary spastic paraplegia 4. Last evaluated: 2024-07-30. Review status: criteria provided, single submitter. Criteria: Invitae Variant Classification Sherloc (09022015). Collection method: clinical testing. Allele origin: germline.
Comment: This sequence change falls in intron 9 of the SPAST gene. It does not directly change the encoded amino acid sequence of the SPAST protein. It affects a nucleotide within the consensus splice site. This variant is not present in population databases (gnomAD no frequency). This variant has been observed in individual(s) with hereditary spastic paraplegia (PMID: 11309678). It has also been observed to segregate with disease in related individuals. This variant is also known as IVS9+4A>G. ClinVar contains an entry for this variant (Variation ID: 5666). Variants that disrupt the consensus splice site are a relatively common cause of aberrant splicing (PMID: 17576681, 9536098). Algorithms developed to predict the effect of sequence changes on RNA splicing suggest that this variant may disrupt the consensus splice site. For these reasons, this variant has been classified as Pathogenic.

GeneDx
Classification: Likely pathogenic. Last evaluated: 2023-04-25. Review status: criteria provided, single submitter. Criteria: GeneDx Variant Classification Process June 2021. Collection method: clinical testing. Allele origin: germline. Affected: yes.
Comment: Reported to segregate with HSP in a family in the published literature; however details of the pedigree were not provided (Svenson et al., 2001; McCorquodale et al., 2011); Published functional studies demonstrate that this variant results in leaky splicing and skipping of exon 9 (Svenson et al., 2001); Not observed at significant frequency in large population cohorts (gnomAD); In silico analysis supports a deleterious effect on splicing; This variant is associated with the following publications: (PMID: 25525159, 20718791, 11309678)

OMIM
Classification: Pathogenic for SPASTIC PARAPLEGIA 4. Last evaluated: 2001-05-01. Review status: no assertion criteria provided. Collection method: literature only. Allele origin: germline. Not counted in ClinVar's aggregate classification.

Literature cited by the submitters: PubMed 11309678 (cited by Labcorp Genetics (formerly Invitae), Labcorp and OMIM); PubMed 17576681 (cited by Labcorp Genetics (formerly Invitae), Labcorp); PubMed 9536098 (cited by Labcorp Genetics (formerly Invitae), Labcorp).

NM_014946.4(SPAST):c.1245+4A>G

Gene: SPAST (spastin; plus strand). Cytogenetic location: 2p22.3.
Variant type: single nucleotide variant.
Coding change: c.1245+4A>G on transcript NM_014946.4 (MANE Select); 4 bases into the intron after coding-DNA position 1245, A replaced by G.
Molecular consequence: intron variant.
Genome position (GRCh38, 1-based): chr2:32,128,483, A>G. VCF-style: chr2-32128483-A-G. GRCh37 (hg19) VCF-style: chr2-32353552-A-G.
Other names: IVS9, A-G, +4; c.1149+4A>G (NM_199436.2, NM_001377959.1); c.1242+4A>G (NM_001363823.2); c.1146+4A>G (NM_001363875.2).
Identifiers: ClinVar variation 5666 (VCV000005666.11), dbSNP rs587777755, ClinGen allele CA253558.